The following is an entry in ClinVar:

NM_014000.3(VCL):c.1314A>G (p.Ile438Met)

Gene: VCL (vinculin; plus strand). Cytogenetic location: 10q22.2.
Variant type: single nucleotide variant.
Coding change: c.1314A>G on transcript NM_014000.3 (MANE Select); coding-DNA position 1314, A replaced by G.
Protein change: p.Ile438Met; replaces isoleucine 438 with methionine.
Molecular consequence: missense variant.
Genome position (GRCh38, 1-based): chr10:74,090,160, A>G. VCF-style: chr10-74090160-A-G. GRCh37 (hg19) VCF-style: chr10-75849918-A-G.
Other names: c.1314A>G, p.Ile438Met (NM_003373.4); short protein forms I438M.
Identifiers: ClinVar variation 2703498 (VCV002703498.3), dbSNP rs2549223358, ClinGen allele CA377273352.
Genomic context (GRCh38, chr10:74,090,160, plus strand): 5'-AGCAGAATTATGTGATGATCCTAAAGAAAGAGATGACATTCTACGTTCCCTTGGGGAAAT[A>G]TCTGCTCTGACTTCTAAATTAGCAGATCTACGAAGACAGTATGTATTTAACCCTTACATT-3'
Protein context (NP_054706.1, residues 428-448): RDDILRSLGE[Ile438Met]SALTSKLADL

ClinVar aggregate classification (germline): Uncertain significance (1 of 4 stars; one submission).

Conditions:
Dilated cardiomyopathy 1W (CMD1W). Identifiers: Orphanet 154, MedGen C1969639, MONDO:0012667, OMIM 611407.

Submission:

Labcorp Genetics (formerly Invitae), Labcorp
Classification: Uncertain significance for Dilated cardiomyopathy 1W. Last evaluated: 2023-12-16. Review status: criteria provided, single submitter. Criteria: Invitae Variant Classification Sherloc (09022015). Collection method: clinical testing. Allele origin: germline.
Comment: This sequence change replaces isoleucine, which is neutral and non-polar, with methionine, which is neutral and non-polar, at codon 438 of the VCL protein (p.Ile438Met). This variant is not present in population databases (gnomAD no frequency). This variant has not been reported in the literature in individuals affected with VCL-related conditions. An algorithm developed to predict the effect of missense changes on protein structure and function (PolyPhen-2) suggests that this variant is likely to be disruptive. In summary, the available evidence is currently insufficient to determine the role of this variant in disease. Therefore, it has been classified as a Variant of Uncertain Significance.